The following is an entry in ClinVar:

ClinVar aggregate classification (germline): Conflicting classifications of pathogenicity. Review status: criteria provided, conflicting classifications (1 of 4 stars). 7 submissions from 7 submitters: Uncertain significance (1); Benign (1); Likely benign (5). Last evaluated 2026-01-31.

Conditions:
TSC2-related disorder. Also called: TSC2-Related Disorders; TSC2-related condition.
Tuberous sclerosis syndrome (TSC). Also called: Tuberous Sclerosis Complex; Tuberous sclerosis. Identifiers: Orphanet 805, MedGen C0041341, MONDO:0001734.
Tuberous sclerosis 2 (TSC2). Identifiers: Orphanet 805, MedGen C1860707, MONDO:0013199, OMIM 613254.

Allele frequency attached by ClinVar (database versions not stated): TOPMed below 0.00001; ExAC 0.00001; gnomAD 0.00001; gnomAD exomes 0.00003.
gnomAD v4.1: 44 of 1,612,718 alleles (0.0027%); highest among the groups gnomAD compares: South Asian, 0.0044%; no homozygotes.

Submissions (7):

Labcorp Genetics (formerly Invitae), Labcorp
Classification: Likely benign for Tuberous sclerosis 2. Last evaluated: 2026-01-31. Review status: criteria provided, single submitter. Criteria: Invitae Variant Classification Sherloc (09022015). Collection method: clinical testing. Allele origin: germline.

PreventionGenetics, part of Exact Sciences
Classification: Likely benign for TSC2-related condition. Last evaluated: 2026-01-11. Review status: criteria provided, single submitter. Criteria: ACMG Guidelines, 2015. Collection method: clinical testing. Allele origin: germline.
Comment: This variant is classified as likely benign based on ACMG/AMP sequence variant interpretation guidelines (Richards et al. 2015 PMID: 25741868, with internal and published modifications).

Myriad Genetics, Inc.
Classification: Benign for Tuberous sclerosis 2. Last evaluated: 2024-09-09. Review status: criteria provided, single submitter. Criteria: Myriad Autosomal Dominant, Autosomal Recessive and X-Linked Classification Criteria (2023). Collection method: clinical testing. Allele origin: unknown.
Comment: This variant is considered benign. This variant is intronic and is not expected to impact mRNA splicing. This variant has been observed at a population frequency that is significantly greater than expected given the associated disease prevalence and penetrance.

Blueprint Genetics
Classification: Likely benign. Last evaluated: 2024-08-14. Review status: criteria provided, single submitter. Criteria: ACMG Guidelines, 2015. Collection method: clinical testing. Allele origin: germline.

Color Diagnostics, LLC DBA Color Health
Classification: Likely benign for Tuberous sclerosis syndrome. Last evaluated: 2022-11-29. Review status: criteria provided, single submitter. Criteria: ACMG Guidelines, 2015. Collection method: clinical testing. Allele origin: germline.

Genome-Nilou Lab
Classification: Likely benign for Tuberous sclerosis 2. Last evaluated: 2021-11-07. Review status: criteria provided, single submitter. Criteria: ACMG Guidelines, 2015. Collection method: clinical testing. Allele origin: germline. Affected: no.

Illumina Laboratory Services, Illumina
Classification: Uncertain significance for Tuberous sclerosis syndrome. Last evaluated: 2018-01-13. Review status: criteria provided, single submitter. Criteria: ICSL Variant Classification Criteria 13 December 2019. Collection method: clinical testing. Allele origin: germline.

NM_000548.5(TSC2):c.2838-6C>T

Gene: TSC2 (TSC complex subunit 2; plus strand). Cytogenetic location: 16p13.3.
Variant type: single nucleotide variant.
Coding change: c.2838-6C>T on transcript NM_000548.5 (MANE Select); 6 bases into the intron before coding-DNA position 2838, C replaced by T.
Molecular consequence: intron variant.
Genome position (GRCh38, 1-based): chr16:2,077,592, C>T. VCF-style: chr16-2077592-C-T. GRCh37 (hg19) VCF-style: chr16-2127593-C-T.
Other names: c.2838-6C>T (NM_000548.4, NM_001114382.3); c.2837+1007C>T (NM_021055.3, NM_001370405.1, NM_001363528.2 and 2 more transcripts); c.2726+1007C>T (NM_001318827.2); c.2237+1007C>T (NM_001318831.2); c.2690+1007C>T (NM_001318829.2); c.2870+1007C>T (NM_001318832.2).
Identifiers: ClinVar variation 221121 (VCV000221121.21), dbSNP rs528706539, ClinGen allele CA042365.